The following is an entry in ClinVar:

ClinVar aggregate classification (germline): Uncertain significance (1 of 4 stars; one submission).

Conditions:
PKD1-related disorder. Also called: PKD1-related condition.

Submission:

PreventionGenetics, part of Exact Sciences
Classification: Uncertain significance for PKD1-related condition. Last evaluated: 2025-08-29. Review status: criteria provided, single submitter. Criteria: ACMG Guidelines, 2015. Collection method: clinical testing. Allele origin: germline.
Comment: The PKD1 c.9746T>C variant is predicted to result in the amino acid substitution p.Leu3249Pro. This variant was reported in an individual with autosomal dominant polycystic kidney disease (ADPKD) (Zacchia et al. 2021. PubMed ID: 33964006). The REVEL (rare exome variant ensemble learner) program predicts this variant is pathogenic at a "moderate" level (Ioannidis et al. 2016. PubMed ID: 27666373; Bergquist et al. 2024. PubMed ID: 39345488). This variant has not been reported in a large population database (gnomAD), indicating this variant is rare. Although we suspect that this variant may be pathogenic, at this time, the clinical significance of this variant is uncertain due to the absence of conclusive functional and genetic evidence.

NM_001009944.3(PKD1):c.9746T>C (p.Leu3249Pro)

Gene: PKD1 (polycystin 1, transient receptor potential channel interacting; minus strand). Cytogenetic location: 16p13.3.
Variant type: single nucleotide variant.
Coding change: c.9746T>C on transcript NM_001009944.3 (MANE Select); coding-DNA position 9746, T replaced by C.
Protein change: p.Leu3249Pro; replaces leucine 3249 with proline.
Molecular consequence: missense variant.
Genome position (GRCh38, 1-based): chr16:2,100,038, A>G on the plus strand (T>C on the coding strand, the complement: PKD1 is on the minus strand). VCF-style: chr16-2100038-A-G. GRCh37 (hg19) VCF-style: chr16-2150039-A-G.
Other names: c.9746T>C, p.Leu3249Pro (NM_000296.4); short protein forms L3249P.
Identifiers: ClinVar variation 4991236 (VCV004991236.1).